The following is an entry in ClinVar:

NM_001813.3(CENPE):c.908G>A (p.Arg303His)

Gene: CENPE (centromere protein E; minus strand). Cytogenetic location: 4q24.
Variant type: single nucleotide variant.
Coding change: c.908G>A on transcript NM_001813.3 (MANE Select); coding-DNA position 908, G replaced by A.
Protein change: p.Arg303His; replaces arginine 303 with histidine.
Molecular consequence: missense variant.
Genome position (GRCh38, 1-based): chr4:103,182,817, C>T on the plus strand (G>A on the coding strand, the complement: CENPE is on the minus strand). VCF-style: chr4-103182817-C-T. GRCh37 (hg19) VCF-style: chr4-104103974-C-T.
Other names: c.908G>A, p.Arg303His (NM_001286734.2); short protein forms R303H.
Identifiers: ClinVar variation 3364923 (VCV003364923.1).

ClinVar aggregate classification (germline): Uncertain significance (1 of 4 stars; one submission).

gnomAD v4.1: 17 of 1,612,236 alleles (0.0011%); highest among the groups gnomAD compares: East Asian, 0.0022%; no homozygotes.

Submission:

GeneDx
Classification: Uncertain significance. Last evaluated: 2023-12-04. Review status: criteria provided, single submitter. Criteria: GeneDx Variant Classification Process June 2021. Collection method: clinical testing. Allele origin: germline. Affected: yes.
Comment: Not observed at significant frequency in large population cohorts (gnomAD); In silico analysis supports that this missense variant does not alter protein structure/function; Has not been previously published as pathogenic or benign to our knowledge